The following is an entry in ClinVar:

NM_002524.5(NRAS):c.183A>T (p.Gln61His)

Gene: NRAS (NRAS proto-oncogene, GTPase; minus strand). Cytogenetic location: 1p13.2.
Variant type: single nucleotide variant.
Coding change: c.183A>T on transcript NM_002524.5 (MANE Select); coding-DNA position 183, A replaced by T.
Protein change: p.Gln61His; replaces glutamine 61 with histidine.
Molecular consequence: missense variant.
Genome position (GRCh38, 1-based): chr1:114,713,907, T>A on the plus strand (A>T on the coding strand, the complement: NRAS is on the minus strand). VCF-style: chr1-114713907-T-A. GRCh37 (hg19) VCF-style: chr1-115256528-T-A.
Other names: c.183A>T (LRG_92t1); short protein forms Q61H.
Identifiers: ClinVar variation 373003 (VCV000373003.8), dbSNP rs121913255, ClinGen allele CA16042285.

ClinVar aggregate classification (germline): Conflicting classifications of pathogenicity. Review status: criteria provided, conflicting classifications (1 of 4 stars). 3 submissions from 3 submitters: Pathogenic (2); Uncertain significance (1). Last evaluated 2018-07-27.
ClinVar aggregate classification (oncogenicity): Oncogenic/Likely oncogenic. Review status: criteria provided, multiple submitters, no conflicts (2 of 4 stars). 2 submissions from 2 submitters. Last evaluated 2026-10-26.

Conditions:
Noonan syndrome and Noonan-related syndrome. Identifiers: Orphanet 98733, MedGen C5681679, MONDO:0020297.
NRAS-related disorder. Also called: NRAS-related condition.
Neoplasm. Also called: tumor; Neoplasms; Neoplasm (disease). Identifiers: MedGen C0027651, MeSH D009369, MONDO:0005070, HP:0002664.
Acute myeloid leukemia (AML). Also called: Acute myeloid leukemia, adult; AML adult; Acute non-lymphocytic leukemia; Acute granulocytic leukemia; Leukemia, acute myeloid, somatic; Leukemia, acute myelogenous, somatic. Identifiers: Orphanet 519, MedGen C0023467, MeSH D015470, MONDO:0018874, OMIM 601626, HP:0004808. Disease mechanism: Constitutively activated FLT3.

Submissions (5):

Center for Virology of Infectious and Tropical Diseases (CVMIT), Mohammed V Military Teaching Hospital
Classification: Likely oncogenic for Acute myeloid leukemia. Last evaluated: 2026-10-26. Review status: criteria provided, single submitter. Criteria: ClinGen/CGC/VICC Guidelines for Oncogenicity, 2022. Collection method: research. Allele origin: somatic. Affected: yes. Observed: 1 variant allele.
Comment: NRAS p.Gln61His. Oncogenicity classified with the ClinGen/CGC/VICC SOP (Horak et al. 2022, PMID:35101336). Criteria applied: OS3: NRAS Q61 hotspot (422 tumours at Q61 in an online resource; Q61H in 27); concordant in silico predictions (CADD 22.6, AlphaMissense likely pathogenic 0.9987, SIFT deleterious) (OP1); absent from gnomAD v4 (OP4). NRAS is a recurrent AML driver (PMID:27276561, PMID:23634996). Total 6 points (Likely oncogenic). ClinVar at analysis (release 2022-07-09, used by Ion Reporter): Variation ID 373003, Conflicting interpretations of pathogenicity. Current record: ClinVar VCV000373003.7 (consulted 2026-10-29): germline classification Conflicting classifications of pathogenicity; somatic oncogenicity Oncogenic.

Center for Genomic Medicine, Rigshospitalet, Copenhagen University Hospital
Classification: Oncogenic for Neoplasm. Last evaluated: 2025-12-29. Review status: criteria provided, single submitter. Criteria: ClinGen/CGC/VICC Guidelines for Oncogenicity, 2022. Collection method: clinical testing. Allele origin: somatic. Affected: yes.

Blueprint Genetics
Classification: Pathogenic for NRAS-related disorders. Last evaluated: 2018-07-27. Review status: criteria provided, single submitter. Criteria: ACMG Guidelines, 2015. Collection method: clinical testing. Allele origin: germline. Affected: yes. Observed: 1 variant allele.

Genome Diagnostics Laboratory, The Hospital for Sick Children
Classification: Uncertain significance for Noonan syndrome and Noonan-related syndrome. Last evaluated: 2016-12-12. Review status: criteria provided, single submitter. Criteria: ACMG Guidelines, 2015. Collection method: clinical testing. Allele origin: germline.

GeneDx
Classification: Pathogenic. Last evaluated: 2016-07-30. Review status: criteria provided, single submitter. Criteria: GeneDx Variant Classification (06012015). Collection method: clinical testing. Allele origin: germline. Affected: yes.
Comment: The Q61H pathogenic variant in the NRAS gene has been reported previously as a somatic variant in multiple types of malignancies including high hyperdiploid childhood acute lymphoblastic leukemia, early T-cell precursor acute lymphoblastic leukaemia, and melanoma, but has not been reported in the germline (Paulsson et al., 2008; Zhang et al., 2012; Ekedahl et al., 2013). The Q61H variant was not observed in approximately 6,500 individuals of European and African American ancestry in the NHLBI Exome Sequencing Project, indicating it is not a common benign variant in these populations. The Q61H variant is a semi-conservative amino acid substitution, which may impact secondary protein structure as these residues differ in some properties. This substitution occurs at a position that is conserved across species. In silico analysis predicts this variant is probably damaging to the protein structure/function.

Literature cited by the submitters: PubMed 27276561 (cited by Center for Virology of Infectious and Tropical Diseases (CVMIT), Mohammed V Military Teaching Hospital); PubMed 23634996 (cited by Center for Virology of Infectious and Tropical Diseases (CVMIT), Mohammed V Military Teaching Hospital); PubMed 23103856 (cited by Center for Genomic Medicine, Rigshospitalet, Copenhagen University Hospital).